The following is an entry in ClinVar:

Conditions:
Breast-ovarian cancer, familial, susceptibility to, 1 (BROVCA1). Also called: BRCA1 Hereditary Breast and Ovarian Cancer; OVARIAN CANCER, SUSCEPTIBILITY TO. Identifiers: Orphanet 145, MedGen C2676676, MONDO:0011450, OMIM 604370. Disease mechanism: loss of function.

Submission:

Brotman Baty Institute, University of Washington
No classification provided (evidence only). Condition: Breast-ovarian cancer, familial 1. Review status: no classification provided. Collection method: in vitro. Allele origin: not applicable. Functional consequence: functionally_normal.
ClinVar note: "not provided" was previously submitted as the classification for the variant. However, the classification appeared to be based only on an observation of functional data so it was converted to no classification on 2025-07-30.

NM_007294.4(BRCA1):c.196A>G (p.Asn66Asp)

Gene: BRCA1 (BRCA1 DNA repair associated; minus strand). Cytogenetic location: 17q21.31.
Variant type: single nucleotide variant.
Coding change: c.196A>G on transcript NM_007294.4 (MANE Select); coding-DNA position 196, A replaced by G.
Protein change: p.Asn66Asp; replaces asparagine 66 with aspartic acid.
Molecular consequence: missense variant.
Genome position (GRCh38, 1-based): chr17:43,106,472, T>C on the plus strand (A>G on the coding strand, the complement: BRCA1 is on the minus strand). VCF-style: chr17-43106472-T-C. GRCh37 (hg19) VCF-style: chr17-41258489-T-C.
Other names: c.196A>G, p.Asn66Asp (NM_001407937.1, NM_001407938.1, NM_001407939.1 and 168 more transcripts); c.55A>G, p.Asn19Asp (NM_001407942.1, NM_001407943.1, NM_001407944.1 and 99 more transcripts); short protein forms N19D, N66D.
Identifiers: ClinVar variation 865246 (VCV000865246.3), dbSNP rs2054774871, ClinGen allele CA10601776.
Genomic context (GRCh38, chr17:43,106,472, plus strand): 5'-TACTGTGGTTGCTTCCAACCTAGCATCATTACCAAATTATATACCTTTTGGTTATATCAT[T>C]CTTACATAAAGGACACTGTGAAGGCCCTTTCTTCTGGTTGAGAAGTTTCAGCATGCAAAA-3'
Protein context (NP_009225.1, residues 56-76): KGPSQCPLCK[Asn66Asp]DITKRSLQES